The following is an entry in ClinVar:

ClinVar aggregate classification (germline): Uncertain significance (1 of 4 stars; one submission).

gnomAD v4.1: 41 of 1,613,718 alleles (0.0025%); highest among the groups gnomAD compares: African/African-American, 0.0067%; no homozygotes.

Submission:

Labcorp Genetics (formerly Invitae), Labcorp
Classification: Uncertain significance. Last evaluated: 2025-09-05. Review status: criteria provided, single submitter. Criteria: Invitae Variant Classification Sherloc (09022015). Collection method: clinical testing. Allele origin: germline.
Comment: This sequence change replaces arginine, which is basic and polar, with tryptophan, which is neutral and slightly polar, at codon 176 of the SORL1 protein (p.Arg176Trp). This variant is present in population databases (rs546537917, gnomAD 0.004%). This variant has not been reported in the literature in individuals affected with SORL1-related conditions. An algorithm developed to predict the effect of missense changes on protein structure and function (PolyPhen-2) suggests that this variant is likely to be disruptive. In summary, the available evidence is currently insufficient to determine the role of this variant in disease. Therefore, it has been classified as a Variant of Uncertain Significance.

NM_003105.6(SORL1):c.526C>T (p.Arg176Trp)

Genes: SORL1 (sortilin related receptor 1; plus strand), LOC105369535 (uncharacterized LOC105369535; minus strand). Cytogenetic location: 11q24.1.
Variant type: single nucleotide variant.
Coding change: c.526C>T on transcript NM_003105.6 (MANE Select); coding-DNA position 526, C replaced by T.
Protein change: p.Arg176Trp; replaces arginine 176 with tryptophan.
Molecular consequence: missense variant.
Genome position (GRCh38, 1-based): chr11:121,478,241, C>T. VCF-style: chr11-121478241-C-T. GRCh37 (hg19) VCF-style: chr11-121348950-C-T.
Other names: short protein forms R176W.
Identifiers: ClinVar variation 4755274 (VCV004755274.1).